The following is an entry in ClinVar:

NM_000548.5(TSC2):c.4662+2T>C

Gene: TSC2 (TSC complex subunit 2; plus strand). Cytogenetic location: 16p13.3.
Variant type: single nucleotide variant.
Coding change: c.4662+2T>C on transcript NM_000548.5 (MANE Select); the canonical splice donor site of the intron after coding-DNA position 4662, T replaced by C.
Molecular consequence: splice donor variant.
Genome position (GRCh38, 1-based): chr16:2,085,324, T>C. VCF-style: chr16-2085324-T-C. GRCh37 (hg19) VCF-style: chr16-2135325-T-C.
Other names: c.3120+2T>C (NM_001406693.1, NM_001406692.1, NM_001406694.1); c.4554+2T>C (NM_001406667.1); c.4551+2T>C (NM_001406668.1); c.4062+2T>C (NM_001406680.1); c.3993+2T>C (NM_001406683.1, NM_001406682.1); c.3861+2T>C (NM_001406687.1, NM_001406688.1); c.3249+2T>C (NM_001406689.1); c.3189+2T>C (NM_001406690.1); and 26 more.
Identifiers: ClinVar variation 2747517 (VCV002747517.3), dbSNP rs2151554076, ClinGen allele CA394305138.
Genomic context (GRCh38, chr16:2,085,324, plus strand): 5'-ACCAGATCCCATCATACGACACCCACAAGATCGCCGTCCTGTATGTTGGAGAAGGCCAGG[T>C]GAGGCTGCGGGGCCGGCCTAGGTGCCTGGACAGGGCCAGCTGGGCCTCAGCCTGCAGTGG-3'

ClinVar aggregate classification (germline): Pathogenic (1 of 4 stars; one submission).

Conditions:
Tuberous sclerosis 2 (TSC2). Identifiers: Orphanet 805, MedGen C1860707, MONDO:0013199, OMIM 613254.

Submission:

Labcorp Genetics (formerly Invitae), Labcorp
Classification: Pathogenic for Tuberous sclerosis 2. Last evaluated: 2023-07-28. Review status: criteria provided, single submitter. Criteria: Invitae Variant Classification Sherloc (09022015). Collection method: clinical testing. Allele origin: germline.
Comment: For these reasons, this variant has been classified as Pathogenic. Algorithms developed to predict the effect of sequence changes on RNA splicing suggest that this variant may disrupt the consensus splice site. Disruption of this splice site has been observed in individual(s) with tuberous sclerosis complex (PMID: 27859028). This variant is not present in population databases (gnomAD no frequency). This sequence change affects a donor splice site in intron 36 of the TSC2 gene. It is expected to disrupt RNA splicing. Variants that disrupt the donor or acceptor splice site typically lead to a loss of protein function (PMID: 16199547), and loss-of-function variants in TSC2 are known to be pathogenic (PMID: 10205261, 17304050).

Literature cited by the submitters: PubMed 27859028; PubMed 16199547; PubMed 10205261; PubMed 17304050.